The following is an entry in ClinVar:

NM_000158.4(GBE1):c.854T>G (p.Leu285Ter)

Gene: GBE1 (1,4-alpha-glucan branching enzyme 1; minus strand). Cytogenetic location: 3p12.2.
Variant type: single nucleotide variant.
Coding change: c.854T>G on transcript NM_000158.4 (MANE Select); coding-DNA position 854, T replaced by G.
Protein change: p.Leu285Ter; replaces leucine 285 with a stop codon.
Molecular consequence: nonsense.
Genome position (GRCh38, 1-based): chr3:81,642,919, A>C on the plus strand (T>G on the coding strand, the complement: GBE1 is on the minus strand). VCF-style: chr3-81642919-A-C. GRCh37 (hg19) VCF-style: chr3-81692070-A-C.
Other names: c.854T>G (NM_000158.3); short protein forms L285*.
Identifiers: ClinVar variation 2675857 (VCV002675857.3), dbSNP rs1704706313, ClinGen allele CA353687438.

ClinVar aggregate classification (germline): Likely pathogenic. Review status: criteria provided, multiple submitters, no conflicts (2 of 4 stars). 3 submissions from 3 submitters: Likely pathogenic (3). Last evaluated 2025-04-09.

Conditions:
Adult polyglucosan body disease (APBN). Also called: POLYGLUCOSAN BODY DISEASE, ADULT FORM; GBE1-Adult Polyglucosan Body Disease. Identifiers: Orphanet 206583, MedGen C1849722, MONDO:0009897, OMIM 263570.
Glycogen storage disease, type IV (GSD4). Also called: AMYLOPECTINOSIS; ANDERSEN DISEASE; BRANCHER DEFICIENCY; CIRRHOSIS, FAMILIAL, WITH DEPOSITION OF ABNORMAL GLYCOGEN; GBE1 DEFICIENCY; GLYCOGEN BRANCHING ENZYME DEFICIENCY. Identifiers: Orphanet 367, MedGen C0017923, MONDO:0009292, OMIM 232500.

Submissions (3):

Natera, Inc.
Classification: Likely pathogenic for Glycogen storage disease type IV. Last evaluated: 2025-04-09. Review status: criteria provided, single submitter. Criteria: Natera Variant Classification Schema (03/2026). Collection method: clinical testing. Allele origin: germline.
Comment: The c.854T>G variant in GBE1 is a nonsense variant predicted to introduce a stop codon at amino acid 285. This variant is expected to result in nonsense mediated decay, truncation, or a dysfunctional protein product. This variant is rare in the general population with a frequency below the threshold expected for the associated phenotype(s). Given the available evidence, this variant is classified as Likely Pathogenic.

Fulgent Genetics
Classification: Likely pathogenic for Glycogen storage disease, type IV; Adult polyglucosan body disease. Last evaluated: 2024-05-11. Review status: criteria provided, single submitter. Criteria: ACMG Guidelines, 2015. Collection method: clinical testing. Allele origin: germline.

Baylor Genetics
Classification: Likely pathogenic for Glycogen storage disease, type IV. Last evaluated: 2023-07-07. Review status: criteria provided, single submitter. Criteria: ACMG Guidelines, 2015. Collection method: clinical testing. Allele origin: unknown.